The following is an entry in ClinVar:

ClinVar aggregate classification (germline): Uncertain significance (1 of 4 stars; one submission).

Submission:

Women's Health and Genetics/Laboratory Corporation of America, LabCorp
Classification: Uncertain significance. Last evaluated: 2023-01-06. Review status: criteria provided, single submitter. Criteria: LabCorp Variant Classification Summary - May 2015. Collection method: clinical testing. Allele origin: germline.
Comment: Variant summary: AVPR2 c.1099A>T (p.Lys367X) results in a premature termination codon, predicted to cause a truncation of the encoded protein or absence of the protein due to nonsense mediated decay, which are commonly known mechanisms for disease. However, due to the location near the end of the protein, this variant results in the absence of less than 5 amino acids and while some protein extension variants have been reported in HGMD, no truncations downstream of this varaint have been reported. The variant was absent in 181644 control chromosomes. To our knowledge, no occurrence of c.1099A>T in individuals affected with Nephrogenic Diabetes Insipidus and no experimental evidence demonstrating its impact on protein function have been reported. No clinical diagnostic laboratories have submitted clinical-significance assessments for this variant to ClinVar after 2014. Based on the evidence outlined above, the variant was classified as VUS.

NM_000054.7(AVPR2):c.1099A>T (p.Lys367Ter)

Gene: AVPR2 (arginine vasopressin receptor 2; plus strand). Cytogenetic location: Xq28.
Variant type: single nucleotide variant.
Coding change: c.1099A>T on transcript NM_000054.7 (MANE Select); coding-DNA position 1099, A replaced by T.
Protein change: p.Lys367Ter; replaces lysine 367 with a stop codon.
Molecular consequence: nonsense. On other transcripts: 3 prime UTR variant (1), non-coding transcript variant (1).
Genome position (GRCh38, 1-based): chrX:153,906,711, A>T. VCF-style: chrX-153906711-A-T. GRCh37 (hg19) VCF-style: chrX-153172165-A-T.
Other names: c.*275A>T (NM_001146151.3); short protein forms K367*.
Identifiers: ClinVar variation 2429223 (VCV002429223.2), dbSNP rs2064970970, ClinGen allele CA415112155.
Genomic context (GRCh38, chrX:153,906,711, plus strand): 5'-ACCCCACCCAGCCTGGGTCCCCAAGATGAGTCCTGCACCACCGCCAGCTCCTCCCTGGCC[A>T]AGGACACTTCATCGTGAGGAGCTGTTGGGTGTCTTGCCTCTAGAGGCTTTGAGAAGCTCA-3'